The following is an entry in ClinVar:

ClinVar aggregate classification (germline): Conflicting classifications of pathogenicity. Review status: criteria provided, conflicting classifications (1 of 4 stars). 11 submissions from 11 submitters: Uncertain significance (2); Benign (3); Likely benign (5). 1 of the submissions does not count toward it. Last evaluated 2025-12-24.
ClinVar aggregate classification (somatic clinical impact): Tier II - Potential (1 of 4 stars; one submission).

Conditions:
Tuberous sclerosis syndrome (TSC). Also called: Tuberous Sclerosis Complex; Tuberous sclerosis. Identifiers: Orphanet 805, MedGen C0041341, MONDO:0001734.
Dystonia, early-onset, and/or spastic paraplegia. Identifiers: MedGen C5562051, MONDO:0859215, OMIM 619681.
Hereditary cancer-predisposing syndrome. Also called: Tumor predisposition; Hereditary Cancer Syndrome; Neoplastic Syndromes, Hereditary; Hereditary neoplastic syndrome. Identifiers: Orphanet 140162, MedGen C0027672, MeSH D009386, MONDO:0015356.
Polycystic kidney disease, adult type (PKD1). Also called: POLYCYSTIC KIDNEY DISEASE 1 WITH OR WITHOUT POLYCYSTIC LIVER DISEASE; Polycystic Kidney Disease 1, Autosomal Dominant; Polycystic kidney disease 1; Polycystic kidney disease 1, severe; Polycystic Kidney, Autosomal Dominant; POLYCYSTIC KIDNEY DISEASE, ADULT, TYPE I. Identifiers: MedGen C3149841, MONDO:0008263, OMIM 173900.
Tuberous sclerosis 2 (TSC2). Identifiers: Orphanet 805, MedGen C1860707, MONDO:0013199, OMIM 613254.
Neuroblastoma (NB). Identifiers: Orphanet 635, MedGen C0027819, MeSH D009447, MONDO:0005072, HP:0003006.

Allele frequency attached by ClinVar (database versions not stated): gnomAD 0.00003; TOPMed 0.00004.
gnomAD v4.1: 75 of 1,611,910 alleles (0.0047%); highest among the groups gnomAD compares: Middle Eastern, 0.016%; no homozygotes.

Submissions (12):

Labcorp Genetics (formerly Invitae), Labcorp
Classification: Benign for Tuberous sclerosis 2. Last evaluated: 2025-12-24. Review status: criteria provided, single submitter. Criteria: Invitae Variant Classification Sherloc (09022015). Collection method: clinical testing. Allele origin: germline.

Institute for Genomic Medicine (IGM) Clinical Laboratory, Nationwide Children's Hospital
Classification: Tier II - Potential for Neuroblastoma. Assertion type: diagnostic. Clinical significance: supports diagnosis. Last evaluated: 2025-10-14. Review status: criteria provided, single submitter. Criteria: AMP/ASCO/CAP Guidelines, 2017. Collection method: clinical testing. Allele origin: somatic. Affected: yes.
Comment: Variant has Tier II (potential) clinical significance as a diagnostic inclusion criterion in neuroblastoma, based on the following evidence: 1) Documented in one or more cancer databases (e.g., St. Jude Pecan, COSMIC, CIViC, OncoKB). 2) Assists in diagnosis alone or along with other biomarkers based on small studies or few case reports (Evidence Level D; PMIDs: 29221145, 27625244, 28966033, 37679051, 31454656, 24508317, 11437991).

Myriad Genetics, Inc.
Classification: Likely benign for Tuberous sclerosis 2. Last evaluated: 2025-06-06. Review status: criteria provided, single submitter. Criteria: Myriad Autosomal Dominant, Autosomal Recessive and X-Linked Classification Criteria (2023). Collection method: clinical testing. Allele origin: unknown.
Comment: This variant is considered likely benign. This variant has been observed at a population frequency that is significantly greater than expected given the associated disease prevalence and penetrance.

KCCC/NGS Laboratory, Kuwait Cancer Control Center
Classification: Benign for Polycystic kidney disease, adult type. Last evaluated: 2025-02-01. Review status: criteria provided, single submitter. Criteria: ACMG Guidelines, 2015. Collection method: clinical testing. Allele origin: germline. Affected: no.

All of Us Research Program, National Institutes of Health
Classification: Likely benign for Tuberous sclerosis syndrome. Last evaluated: 2023-10-02. Review status: criteria provided, single submitter. Criteria: ACMG Guidelines, 2015. Collection method: clinical testing. Allele origin: germline. Inheritance: Autosomal dominant inheritance. Observed: 7 variant alleles, 7 heterozygotes.
Comment: This study involves interpretation of variants in research participants for the purpose of population health screening. Participant phenotype was not available at the time of variant classification. Additional details can be found in publication PMID: 35346344, PMCID: PMC8962531

Color Diagnostics, LLC DBA Color Health
Classification: Likely benign for Tuberous sclerosis syndrome. Last evaluated: 2022-09-20. Review status: criteria provided, single submitter. Criteria: ACMG Guidelines, 2015. Collection method: clinical testing. Allele origin: germline.

Sema4
Classification: Uncertain significance for Hereditary cancer-predisposing syndrome. Last evaluated: 2021-12-13. Review status: criteria provided, single submitter. Criteria: Sema4 Curation Guidelines. Collection method: curation. Allele origin: germline.
Comment: The TSC2 c.5017G>A (p.V1673I) variant has not been reported in the literature to our knowledge. It was observed in 5/35398 chromosomes of the Latino subpopulation in the large and broad cohorts of the Genome Aggregation Database (PMID: 32461654). The variant has been reported in ClinVar (Variation ID: 64868). Functional studies have not been performed, and in silico predictions of the variant's effect on protein function are inconclusive. The evidence is insufficient to meet ACMG/AMP criteria for classifying the variant as benign or pathogenic. Thus, the clinical significance of this variant is currently uncertain.

Genome-Nilou Lab
Classification: Benign for Tuberous sclerosis 2. Last evaluated: 2021-11-07. Review status: criteria provided, single submitter. Criteria: ACMG Guidelines, 2015. Collection method: clinical testing. Allele origin: germline. Affected: no.

GeneDx
Classification: Likely benign. Last evaluated: 2020-08-22. Review status: criteria provided, single submitter. Criteria: GeneDx Variant Classification Process June 2021. Collection method: clinical testing. Allele origin: germline. Affected: yes.
Comment: This variant is associated with the following publications: (PMID: 24686850)

Cambridge Genomics Laboratory, East Genomic Laboratory Hub, NHS Genomic Medicine Service
Classification: Uncertain significance for Dystonia, early-onset, and/or spastic paraplegia. Last evaluated: 2019-05-16. Review status: criteria provided, single submitter. Criteria: ACGS Best Practice Guidelines for Variant Classification in Rare Disease 2020. Collection method: clinical testing. Allele origin: germline. Affected: yes. Observed: 1 variant allele.

Ambry Genetics
Classification: Likely benign for Hereditary cancer-predisposing syndrome. Last evaluated: 2019-02-04. Review status: criteria provided, single submitter. Criteria: Ambry Variant Classification Scheme 2023. Collection method: clinical testing. Allele origin: germline.

Tuberous sclerosis database (TSC2)
No classification provided. Condition: TSC. Review status: no classification provided. Criteria: Tuberous Sclerosis Database Assertion Criteria 2015. Collection method: curation. Allele origin: germline. Affected: yes. Not counted in ClinVar's aggregate classification.

Literature cited by the submitters: PubMed 29221145 (cited by Institute for Genomic Medicine (IGM) Clinical Laboratory, Nationwide Children's Hospital); PubMed 27625244 (cited by Institute for Genomic Medicine (IGM) Clinical Laboratory, Nationwide Children's Hospital); PubMed 28966033 (cited by Institute for Genomic Medicine (IGM) Clinical Laboratory, Nationwide Children's Hospital); PubMed 37679051 (cited by Institute for Genomic Medicine (IGM) Clinical Laboratory, Nationwide Children's Hospital); PubMed 31454656 (cited by Institute for Genomic Medicine (IGM) Clinical Laboratory, Nationwide Children's Hospital); PubMed 24508317 (cited by Institute for Genomic Medicine (IGM) Clinical Laboratory, Nationwide Children's Hospital); PubMed 11437991 (cited by Institute for Genomic Medicine (IGM) Clinical Laboratory, Nationwide Children's Hospital).

NM_000548.5(TSC2):c.5017G>A (p.Val1673Ile)

Genes: PKD1 (polycystin 1, transient receptor potential channel interacting; minus strand), TSC2 (TSC complex subunit 2; plus strand). Cytogenetic location: 16p13.3.
Variant type: single nucleotide variant.
Coding change: c.5017G>A on transcript NM_000548.5 (MANE Select); coding-DNA position 5017, G replaced by A.
Protein change: p.Val1673Ile; replaces valine 1673 with isoleucine.
Molecular consequence: missense variant.
Genome position (GRCh38, 1-based): chr16:2,087,890, G>A. VCF-style: chr16-2087890-G-A. GRCh37 (hg19) VCF-style: chr16-2137891-G-A.
Other names: c.4816G>A, p.Val1606Ile (NM_001077183.3); c.4948G>A, p.Val1650Ile (NM_001114382.3); c.4708G>A, p.Val1570Ile (NM_001318827.2); c.4672G>A, p.Val1558Ile (NM_001318829.2); c.4285G>A, p.Val1429Ile (NM_001318831.2); c.4849G>A, p.Val1617Ile (NM_001318832.2); c.4819G>A, p.Val1607Ile (NM_001363528.2); c.4885G>A, p.Val1629Ile (NM_001370404.1); and 2 more; short protein forms V1673I, V1429I, V1558I, V1570I, V1629I, V1630I, V1606I, V1607I.
Identifiers: ClinVar variation 64868 (VCV000064868.27), dbSNP rs45490993, ClinGen allele CA021497.